The following is an entry in ClinVar:

NM_004064.5(CDKN1B):c.24C>G (p.Asn8Lys)

Gene: CDKN1B (cyclin dependent kinase inhibitor 1B; plus strand). Cytogenetic location: 12p13.1.
Variant type: single nucleotide variant.
Coding change: c.24C>G on transcript NM_004064.5 (MANE Select); coding-DNA position 24, C replaced by G.
Protein change: p.Asn8Lys; replaces asparagine 8 with lysine.
Molecular consequence: missense variant.
Genome position (GRCh38, 1-based): chr12:12,717,863, C>G. VCF-style: chr12-12717863-C-G. GRCh37 (hg19) VCF-style: chr12-12870797-C-G.
Other names: short protein forms N8K.
Identifiers: ClinVar variation 4633437 (VCV004633437.1).
Genomic context (GRCh38, chr12:12,717,863, plus strand): 5'-AGTGCGAGAGAGGCGGTCGTGCAGACCCGGGAGAAAGATGTCAAACGTGCGAGTGTCTAA[C>G]GGGAGCCCTAGCCTGGAGCGGATGGACGCCAGGCAGGCGGAGCACCCCAAGCCCTCGGCC-3'
Protein context (NP_004055.1, residues 1-18): MSNVRVS[Asn8Lys]GSPSLERMDA

ClinVar aggregate classification (germline): Uncertain significance (1 of 4 stars; one submission).

Conditions:
Hereditary cancer-predisposing syndrome. Also called: Neoplastic Syndromes, Hereditary; Tumor predisposition; Hereditary Cancer Syndrome; Hereditary neoplastic syndrome. Identifiers: Orphanet 140162, MedGen C0027672, MeSH D009386, MONDO:0015356.

Submission:

Ambry Genetics
Classification: Uncertain significance for Hereditary cancer-predisposing syndrome. Last evaluated: 2025-09-26. Review status: criteria provided, single submitter. Criteria: Ambry Variant Classification Scheme 2023. Collection method: clinical testing. Allele origin: germline.
Comment: The p.N8K variant (also known as c.24C>G), located in coding exon 1 of the CDKN1B gene, results from a C to G substitution at nucleotide position 24. The asparagine at codon 8 is replaced by lysine, an amino acid with similar properties. This amino acid position is well conserved in available vertebrate species. In addition, this alteration is predicted to be tolerated by in silico analysis. Based on the available evidence, the clinical significance of this variant remains unclear.